The following is an entry in ClinVar:

NM_005732.4(RAD50):c.3769T>G (p.Ser1257Ala)

Genes: TH2LCRR (T helper type 2 locus control region associated RNA; minus strand), RAD50 (RAD50 double strand break repair protein; plus strand), TH2-LCR (Th2 cytokine locus control region; plus strand). Cytogenetic location: 5q31.1.
Variant type: single nucleotide variant.
Coding change: c.3769T>G on transcript NM_005732.4 (MANE Select); coding-DNA position 3769, T replaced by G.
Protein change: p.Ser1257Ala; replaces serine 1257 with alanine.
Molecular consequence: missense variant.
Genome position (GRCh38, 1-based): chr5:132,642,194, T>G. VCF-style: chr5-132642194-T-G. GRCh37 (hg19) VCF-style: chr5-131977886-T-G.
Other names: short protein forms S1257A.
Identifiers: ClinVar variation 183984 (VCV000183984.22), dbSNP rs786201205, ClinGen allele CA187396.
Genomic context (GRCh38, chr5:132,642,194, plus strand): 5'-GTTATGCTCTTTACTAATAATATGTTCTGAATATATTGTTGCAGGATAATAAAAAGTCGC[T>G]CACAGCAGCGTAACTTCCAGCTTCTGGTAATCACTCATGATGAAGATTTTGTGGAGCTTT-3'
Protein context (NP_005723.2, residues 1247-1267): HALVEIIKSR[Ser1257Ala]QQRNFQLLVI

ClinVar aggregate classification (germline): Conflicting classifications of pathogenicity. Review status: criteria provided, conflicting classifications (1 of 4 stars). 5 submissions from 5 submitters: Uncertain significance (4); Likely benign (1). Last evaluated 2026-01-13.

Conditions:
Hereditary cancer-predisposing syndrome. Also called: Tumor predisposition; Hereditary Cancer Syndrome; Hereditary neoplastic syndrome; Neoplastic Syndromes, Hereditary. Identifiers: Orphanet 140162, MedGen C0027672, MeSH D009386, MONDO:0015356.
Nijmegen breakage syndrome-like disorder (NBSLD). Also called: MICROCEPHALY AND SPONTANEOUS CHROMOSOME INSTABILITY WITHOUT IMMUNODEFICIENCY; NBS-LIKE DISORDER; RAD50 DEFICIENCY. Identifiers: Orphanet 240760, MedGen C2751318, MONDO:0013118, OMIM 613078.

Allele frequency attached by ClinVar (database versions not stated): gnomAD exomes below 0.00001 and 0.00001; gnomAD 0.00006 and 0.00008; TOPMed 0.00012.
gnomAD v4.1: 19 of 1,613,986 alleles (0.0012%); highest among the groups gnomAD compares: Admixed American, 0.022%; no homozygotes.

Submissions (5):

Labcorp Genetics (formerly Invitae), Labcorp
Classification: Likely benign for Hereditary cancer-predisposing syndrome. Last evaluated: 2026-01-13. Review status: criteria provided, single submitter. Criteria: Invitae Variant Classification Sherloc (09022015). Collection method: clinical testing. Allele origin: germline.

Ambry Genetics
Classification: Uncertain significance for Hereditary cancer-predisposing syndrome. Last evaluated: 2024-06-05. Review status: criteria provided, single submitter. Criteria: Ambry Variant Classification Scheme 2023. Collection method: clinical testing. Allele origin: germline.
Comment: The p.S1257A variant (also known as c.3769T>G), located in coding exon 25 of the RAD50 gene, results from a T to G substitution at nucleotide position 3769. The serine at codon 1257 is replaced by alanine, an amino acid with similar properties. This variant was identified in a cohort of 3,579 African males diagnosed with prostate cancer who underwent multi-gene panel testing of 19 DNA repair and cancer predisposition genes (Matejcic M et al. JCO Precis Oncol. 2020 Jan;4:32-43). This amino acid position is highly conserved in available vertebrate species. In addition, this alteration is predicted to be tolerated by in silico analysis. Since supporting evidence is limited at this time, the clinical significance of this alteration remains unclear.

Quest Diagnostics Nichols Institute San Juan Capistrano
Classification: Uncertain significance. Last evaluated: 2024-04-14. Review status: criteria provided, single submitter. Criteria: Quest Diagnostics criteria. Collection method: clinical testing. Allele origin: unknown.
Comment: The RAD50 c.3769T>G (p.Ser1257Ala) variant has been reported in the published literature in a case-control study of prostate cancer, however, the available information is limited (PMID: 32832836 (2020)). The frequency of this variant in the general population, 0.000014 (4/282710 chromosomes (Genome Aggregation Database)), is uninformative in the assessment of its pathogenicity. Analysis of this variant using bioinformatics tools for the prediction of the effect of amino acid changes on protein structure and function yielded predictions that this variant is benign. Based on the available information, we are unable to determine the clinical significance of this variant.

Baylor Genetics
Classification: Uncertain significance for Nijmegen breakage syndrome-like disorder. Last evaluated: 2023-07-04. Review status: criteria provided, single submitter. Criteria: ACMG Guidelines, 2015. Collection method: clinical testing. Allele origin: unknown.

Women's Health and Genetics/Laboratory Corporation of America, LabCorp
Classification: Uncertain significance. Last evaluated: 2018-10-05. Review status: criteria provided, single submitter. Criteria: LabCorp Variant Classification Summary - May 2015. Collection method: clinical testing. Allele origin: germline.
Comment: Variant summary: RAD50 c.3769T>G (p.Ser1257Ala) results in a conservative amino acid change in the encoded protein sequence. Four of five in-silico tools predict a benign effect of the variant on protein function. The variant allele was found at a frequency of 4.1e-06 in 246058 control chromosomes (gnomAD). The available data on variant occurrences in the general population are insufficient to allow any conclusion about variant significance. To our knowledge, no occurrence of c.3769T>G in individuals affected with Hereditary Breast and Ovarian Cancer and no experimental evidence demonstrating its impact on protein function have been reported. Two clinical diagnostic laboratories have submitted clinical-significance assessments for this variant to ClinVar after 2014 without evidence for independent evaluation. All laboratories classified the variant as uncertain significance. Based on the evidence outlined above, the variant was classified as uncertain significance.

Literature cited by the submitters: PubMed 32832836 (cited by Ambry Genetics and Quest Diagnostics Nichols Institute San Juan Capistrano).